The following is an entry in ClinVar:

ClinVar aggregate classification (germline): Uncertain significance. Review status: criteria provided, multiple submitters, no conflicts (2 of 4 stars). 5 submissions from 5 submitters: Uncertain significance (5). Last evaluated 2024-11-08.

Conditions:
Inborn genetic diseases. Identifiers: MedGen C0950123, MeSH D030342.
Autosomal recessive limb-girdle muscular dystrophy type R18 (LGMDR18). Also called: Limb-girdle muscular dystrophy, type 2S; Autosomal recessive limb-girdle muscular dystrophy type 2S; MUSCULAR DYSTROPHY, LIMB-GIRDLE, AUTOSOMAL RECESSIVE 18. Identifiers: Orphanet 369840, MedGen C4517996, MONDO:0014144, OMIM 615356.

Allele frequency attached by ClinVar (database versions not stated): TOPMed 0.00002; ExAC 0.00003; gnomAD exomes 0.00003.
gnomAD v4.1: 42 of 1,613,136 alleles (0.0026%); highest among the groups gnomAD compares: Non-Finnish European, 0.0032%; no homozygotes.

Submissions (5):

GeneDx
Classification: Uncertain significance. Last evaluated: 2024-11-08. Review status: criteria provided, single submitter. Criteria: GeneDx Variant Classification Process June 2021. Collection method: clinical testing. Allele origin: germline. Affected: yes.
Comment: Not observed at significant frequency in large population cohorts (gnomAD); In silico analysis supports that this missense variant has a deleterious effect on protein structure/function; Has not been previously published as pathogenic or benign to our knowledge

Blueprint Genetics
Classification: Uncertain significance. Last evaluated: 2024-09-13. Review status: criteria provided, single submitter. Criteria: ACMG Guidelines, 2015. Collection method: clinical testing. Allele origin: germline.

Revvity Omics, Revvity
Classification: Uncertain significance for Autosomal recessive limb-girdle muscular dystrophy type R18. Last evaluated: 2024-02-16. Review status: criteria provided, single submitter. Criteria: ACMG Guidelines, 2015. Collection method: clinical testing. Allele origin: germline.

Labcorp Genetics (formerly Invitae), Labcorp
Classification: Uncertain significance for Autosomal recessive limb-girdle muscular dystrophy type R18. Last evaluated: 2022-07-21. Review status: criteria provided, single submitter. Criteria: Invitae Variant Classification Sherloc (09022015). Collection method: clinical testing. Allele origin: germline.
Comment: This sequence change replaces aspartic acid, which is acidic and polar, with valine, which is neutral and non-polar, at codon 300 of the TRAPPC11 protein (p.Asp300Val). This variant is present in population databases (rs768253464, gnomAD 0.008%). This variant has not been reported in the literature in individuals affected with TRAPPC11-related conditions. ClinVar contains an entry for this variant (Variation ID: 541350). Algorithms developed to predict the effect of missense changes on protein structure and function are either unavailable or do not agree on the potential impact of this missense change (SIFT: "Deleterious"; PolyPhen-2: "Probably Damaging"; Align-GVGD: "Class C0"). In summary, the available evidence is currently insufficient to determine the role of this variant in disease. Therefore, it has been classified as a Variant of Uncertain Significance.

Ambry Genetics
Classification: Uncertain significance for Inborn genetic diseases. Last evaluated: 2021-01-28. Review status: criteria provided, single submitter. Criteria: Ambry Variant Classification Scheme 2023. Collection method: clinical testing. Allele origin: germline.
Comment: The c.899A>T (p.D300V) alteration is located in exon 9 (coding exon 8) of the TRAPPC11 gene. This alteration results from a A to T substitution at nucleotide position 899, causing the aspartic acid (D) at amino acid position 300 to be replaced by a valine (V). The p.D300V alteration is predicted to be deleterious by in silico analysis. Based on insufficient or conflicting evidence, the clinical significance of this alteration remains unclear.

NM_021942.6(TRAPPC11):c.899A>T (p.Asp300Val)

Gene: TRAPPC11 (trafficking protein particle complex subunit 11; plus strand). Cytogenetic location: 4q35.1.
Variant type: single nucleotide variant.
Coding change: c.899A>T on transcript NM_021942.6 (MANE Select); coding-DNA position 899, A replaced by T.
Protein change: p.Asp300Val; replaces aspartic acid 300 with valine.
Molecular consequence: missense variant.
Genome position (GRCh38, 1-based): chr4:183,679,420, A>T. VCF-style: chr4-183679420-A-T. GRCh37 (hg19) VCF-style: chr4-184600573-A-T.
Other names: c.899A>T (NM_021942.4); c.899A>T, p.Asp300Val (NM_199053.3); short protein forms D300V.
Identifiers: ClinVar variation 541350 (VCV000541350.10), dbSNP rs768253464, ClinGen allele CA3151739.